The following is an entry in ClinVar:

ClinVar aggregate classification (germline): Conflicting classifications of pathogenicity. Review status: criteria provided, conflicting classifications (1 of 4 stars). 3 submissions from 3 submitters: Uncertain significance (2); Likely benign (1). Last evaluated 2025-09-21.

Conditions:
Hereditary cancer-predisposing syndrome. Also called: Tumor predisposition; Hereditary Cancer Syndrome; Hereditary neoplastic syndrome; Neoplastic Syndromes, Hereditary. Identifiers: Orphanet 140162, MedGen C0027672, MeSH D009386, MONDO:0015356.
Lynch syndrome 4 (LYNCH4). Also called: Colorectal cancer, hereditary nonpolyposis, type 4; Hereditary non-polyposis colorectal cancer, type 4. Identifiers: Orphanet 144, MedGen C1838333, MONDO:0013699, OMIM 614337. Disease mechanism: loss of function.
Hereditary nonpolyposis colorectal neoplasms. Identifiers: MedGen C0009405, MeSH D003123.

Submissions (3):

Helix
Classification: Uncertain significance for Lynch syndrome 4. Last evaluated: 2025-09-21. Review status: criteria provided, single submitter. Criteria: ACMG Guidelines, 2015. Collection method: clinical testing. Allele origin: germline. Inheritance: Autosomal dominant inheritance.
Comment: This variant (NM_000535.7:c.1238A>C p.Lys413Thr) results in the substitution of lysine with threonine at codon 413 in the PMS2 protein. It is a rare variant that is absent from the large gnomAD population database (v4.1). To our knowledge, this variant has not been reported in individuals with PMS2-related conditions in the published literature. In silico prediction from the HCI Database of Prior Probabilities of Pathogenicity suggests that this variant may be benign. This variant is present in ClinVar (Variation ID: 942067). In conclusion, since the available evidence is limited, the clinical significance of this variant is unclear at this time. Therefore, it is classified as a Variant of Uncertain Significance.

Labcorp Genetics (formerly Invitae), Labcorp
Classification: Uncertain significance for Hereditary nonpolyposis colorectal neoplasms. Last evaluated: 2025-01-06. Review status: criteria provided, single submitter. Criteria: Invitae Variant Classification Sherloc (09022015). Collection method: clinical testing. Allele origin: germline.
Comment: This sequence change replaces lysine, which is basic and polar, with threonine, which is neutral and polar, at codon 413 of the PMS2 protein (p.Lys413Thr). This variant is not present in population databases (gnomAD no frequency). This variant has not been reported in the literature in individuals affected with PMS2-related conditions. ClinVar contains an entry for this variant (Variation ID: 942067). Invitae Evidence Modeling incorporating data from in vitro experimental studies (internal data) indicates that this missense variant is not expected to disrupt PMS2 function with a negative predictive value of 95%. In summary, the available evidence is currently insufficient to determine the role of this variant in disease. Therefore, it has been classified as a Variant of Uncertain Significance.

Ambry Genetics
Classification: Likely benign for Hereditary cancer-predisposing syndrome. Last evaluated: 2024-08-14. Review status: criteria provided, single submitter. Criteria: Ambry Variant Classification Scheme 2023. Collection method: clinical testing. Allele origin: germline.

NM_000535.7(PMS2):c.1238A>C (p.Lys413Thr)

Gene: PMS2 (PMS1 homolog 2, mismatch repair system component; minus strand). Cytogenetic location: 7p22.1.
Variant type: single nucleotide variant.
Coding change: c.1238A>C on transcript NM_000535.7 (MANE Select); coding-DNA position 1238, A replaced by C.
Protein change: p.Lys413Thr; replaces lysine 413 with threonine.
Molecular consequence: missense variant. On other transcripts: non-coding transcript variant (1).
Genome position (GRCh38, 1-based): chr7:5,987,527, T>G on the plus strand (A>C on the coding strand, the complement: PMS2 is on the minus strand). VCF-style: chr7-5987527-T-G. GRCh37 (hg19) VCF-style: chr7-6027158-T-G.
Other names: c.833A>C, p.Lys278Thr (NM_001322003.2, NM_001322004.2, NM_001322005.2 and 1 more transcripts); c.1082A>C, p.Lys361Thr (NM_001322006.2); c.920A>C, p.Lys307Thr (NM_001322007.2, NM_001322008.2); c.677A>C, p.Lys226Thr (NM_001322010.2); c.305A>C, p.Lys102Thr (NM_001322011.2, NM_001322012.2); c.665A>C, p.Lys222Thr (NM_001322013.2); c.1238A>C, p.Lys413Thr (NM_001322014.2); c.929A>C, p.Lys310Thr (NM_001322015.2); short protein forms K102T, K222T, K310T, K307T, K226T, K361T, K413T, K278T.
Identifiers: ClinVar variation 942067 (VCV000942067.11), dbSNP rs1445088475, ClinGen allele CA366742504.